The following is an entry in ClinVar:

ClinVar aggregate classification (germline): Uncertain significance. Review status: criteria provided, multiple submitters, no conflicts (2 of 4 stars). 3 submissions from 3 submitters: Uncertain significance (3). Last evaluated 2026-09-30.

Conditions:
Treacher Collins syndrome 1 (TCS1). Also called: TCOF1-Related Treacher Collins Syndrome. Identifiers: Orphanet 861, MedGen CN315775, MONDO:0007944, OMIM 154500.
TCOF1-related disorder. Also called: TCOF1-related condition.

Allele frequency attached by ClinVar (database versions not stated): gnomAD 0.00003; ESP Exome Variant Server 0.00008; ExAC 0.00001.
gnomAD v4.1: 33 of 1,612,436 alleles (0.002%); highest among the groups gnomAD compares: Middle Eastern, 0.14%; no homozygotes.

Submissions (3):

GeneDx
Classification: Uncertain significance. Last evaluated: 2026-09-30. Review status: criteria provided, single submitter. Criteria: GeneDx Variant Classification Process June 2021. Collection method: clinical testing. Allele origin: germline.
Comment: In silico analysis supports that this missense variant has a deleterious effect on protein structure/function; Has not been previously published as pathogenic or benign to our knowledge

PreventionGenetics, part of Exact Sciences
Classification: Uncertain significance for TCOF1-related condition. Last evaluated: 2026-07-06. Review status: criteria provided, single submitter. Criteria: ACMG Guidelines, 2015. Collection method: clinical testing. Allele origin: germline.
Comment: The TCOF1 c.1538G>T variant is predicted to result in the amino acid substitution p.Gly513Val. To our knowledge, this variant has not been reported in the literature. This variant is reported in 0.0064% of alleles in individuals of African descent in gnomAD. At this time, the clinical significance of this variant is uncertain due to the absence of conclusive functional and genetic evidence.

Labcorp Genetics (formerly Invitae), Labcorp
Classification: Uncertain significance for Treacher Collins syndrome 1. Last evaluated: 2026-01-21. Review status: criteria provided, single submitter. Criteria: Invitae Variant Classification Sherloc (09022015). Collection method: clinical testing. Allele origin: germline.
Comment: This sequence change replaces glycine, which is neutral and non-polar, with valine, which is neutral and non-polar, at codon 513 of the TCOF1 protein (p.Gly513Val). This variant is present in population databases (rs150143293, gnomAD 0.002%). This variant has not been reported in the literature in individuals affected with TCOF1-related conditions. ClinVar contains an entry for this variant (Variation ID: 1722838). Invitae Evidence Modeling of protein sequence and biophysical properties (such as structural, functional, and spatial information, amino acid conservation, physicochemical variation, residue mobility, and thermodynamic stability) indicates that this missense variant is not expected to disrupt TCOF1 protein function with a negative predictive value of 80%. In summary, the available evidence is currently insufficient to determine the role of this variant in disease. Therefore, it has been classified as a Variant of Uncertain Significance.

NM_001371623.1(TCOF1):c.1538G>T (p.Gly513Val)

Gene: TCOF1 (treacle ribosome biogenesis factor 1; plus strand). Cytogenetic location: 5q32.
Variant type: single nucleotide variant.
Coding change: c.1538G>T on transcript NM_001371623.1 (MANE Select); coding-DNA position 1538, G replaced by T.
Protein change: p.Gly513Val; replaces glycine 513 with valine.
Molecular consequence: missense variant.
Genome position (GRCh38, 1-based): chr5:150,375,388, G>T. VCF-style: chr5-150375388-G-T. GRCh37 (hg19) VCF-style: chr5-149754951-G-T.
Other names: c.1307G>T, p.Gly436Val (NM_000356.4, NM_001135245.2); c.1538G>T, p.Gly513Val (NM_001008657.3, NM_001135243.2, NM_001135244.2 and 1 more transcripts); short protein forms G436V, G513V.
Identifiers: ClinVar variation 1722838 (VCV001722838.8), dbSNP rs150143293, ClinGen allele CA3510909.